The following is an entry in ClinVar:

NM_001256789.3(CACNA1F):c.5577C>T (p.Gly1859=)

Gene: CACNA1F (calcium voltage-gated channel subunit alpha1 F; minus strand). Cytogenetic location: Xp11.23.
Variant type: single nucleotide variant.
Coding change: c.5577C>T on transcript NM_001256789.3 (MANE Select); coding-DNA position 5577, C replaced by T.
Protein change: p.Gly1859=; no amino-acid change (glycine 1859 retained).
Molecular consequence: synonymous variant.
Genome position (GRCh38, 1-based): chrX:49,205,709, G>A on the plus strand (C>T on the coding strand, the complement: CACNA1F is on the minus strand). VCF-style: chrX-49205709-G-A. GRCh37 (hg19) VCF-style: chrX-49062169-G-A.
Other names: c.5415C>T, p.Gly1805= (NM_001256790.3); c.5610C>T, p.Gly1870= (NM_005183.4).
Identifiers: ClinVar variation 281511 (VCV000281511.18), dbSNP rs141521080, ClinGen allele CA10409947.

ClinVar aggregate classification (germline): Benign/Likely benign. Review status: criteria provided, multiple submitters, no conflicts (2 of 4 stars). 5 submissions from 5 submitters: Benign (1); Likely benign (4). Last evaluated 2026-01-23.

Conditions:
CACNA1F-related disorder. Also called: CACNA1F-related condition.

Allele frequency attached by ClinVar (database versions not stated): 1000 Genomes Project 30x 0.00021; 1000 Genomes Project 0.00026; ExAC 0.00046; gnomAD 0.00080 and 0.00088; ESP Exome Variant Server 0.00095; TOPMed 0.00095.
gnomAD v4.1: 190 of 1,203,195 alleles (0.016%); highest among the groups gnomAD compares: African/African-American, 0.3%; no homozygotes.

Submissions (5):

Labcorp Genetics (formerly Invitae), Labcorp
Classification: Benign. Last evaluated: 2026-01-23. Review status: criteria provided, single submitter. Criteria: Invitae Variant Classification Sherloc (09022015). Collection method: clinical testing. Allele origin: germline.

Blueprint Genetics
Classification: Likely benign. Last evaluated: 2024-10-18. Review status: criteria provided, single submitter. Criteria: ACMG Guidelines, 2015. Collection method: clinical testing. Allele origin: germline.

PreventionGenetics, part of Exact Sciences
Classification: Likely benign for CACNA1F-related condition. Last evaluated: 2024-10-11. Review status: criteria provided, single submitter. Criteria: ACMG Guidelines, 2015. Collection method: clinical testing. Allele origin: germline.
Comment: This variant is classified as likely benign based on ACMG/AMP sequence variant interpretation guidelines (Richards et al. 2015 PMID: 25741868, with internal and published modifications).

Eurofins Ntd Llc (ga)
Classification: Likely benign. Last evaluated: 2015-06-24. Review status: criteria provided, single submitter. Criteria: EGL Classification Definitions 2015. Collection method: clinical testing. Allele origin: germline. Observed: 1 variant allele, 1 hemizygote.

Breakthrough Genomics
Classification: Likely benign. Review status: criteria provided, single submitter. Criteria: ACMG Guidelines, 2015. Collection method: not provided. Allele origin: germline. Inheritance: X-linked inheritance. Affected: yes.